The following is an entry in ClinVar:

ClinVar aggregate classification (germline): Conflicting classifications of pathogenicity. Review status: criteria provided, conflicting classifications (1 of 4 stars). 8 submissions from 8 submitters: Uncertain significance (6); Likely benign (1). 1 of the submissions does not count toward it. Last evaluated 2026-01-12.

Conditions:
Usher syndrome type 1B (USH1B). Also called: Usher syndrome type IB. Identifiers: MedGen C1848638, MONDO:0700087.
Inborn genetic diseases. Identifiers: MedGen C0950123, MeSH D030342.

Allele frequency attached by ClinVar (database versions not stated): gnomAD exomes 0.00004 and 0.00006; ExAC 0.00010; gnomAD 0.00041 and 0.00046; TOPMed 0.00044; ESP Exome Variant Server 0.00078.
gnomAD v4.1: 116 of 1,613,934 alleles (0.0072%); highest among the groups gnomAD compares: African/African-American, 0.15%; no homozygotes.

Submissions (8):

Labcorp Genetics (formerly Invitae), Labcorp
Classification: Likely benign. Last evaluated: 2026-01-12. Review status: criteria provided, single submitter. Criteria: Invitae Variant Classification Sherloc (09022015). Collection method: clinical testing. Allele origin: germline.

GeneDx
Classification: Uncertain significance. Last evaluated: 2025-05-19. Review status: criteria provided, single submitter. Criteria: GeneDx Variant Classification Process June 2021. Collection method: clinical testing. Allele origin: germline. Affected: yes.
Comment: In silico analysis supports that this missense variant has a deleterious effect on protein structure/function; This variant is associated with the following publications: (PMID: 34515852)

Women's Health and Genetics/Laboratory Corporation of America, LabCorp
Classification: Uncertain significance. Last evaluated: 2024-07-30. Review status: criteria provided, single submitter. Criteria: LabCorp Variant Classification Summary - May 2015. Collection method: clinical testing. Allele origin: germline.
Comment: Variant summary: MYO7A c.4066A>T (p.Ser1356Cys) results in a non-conservative amino acid change located in the FERM domain (IPR000299) of the encoded protein sequence. Three of five in-silico tools predict a benign effect of the variant on protein function. The variant allele was found at a frequency of 6.4e-05 in 249208 control chromosomes, predominantly at a frequency of 0.001 within the African or African-American subpopulation in the gnomAD database. This frequency is not significantly higher than estimated for a pathogenic variant in MYO7A causing Usher Syndrome (6.4e-05 vs 0.0061), allowing no conclusion about variant significance. This report does not provide unequivocal conclusions about association of the variant with Usher Syndrome or other MYO7A-related disorders. To our knowledge, no experimental evidence demonstrating an impact on protein function has been reported. The following publication have been ascertained in the context of this evaluation (PMID: 34515852). ClinVar contains an entry for this variant (Variation ID: 235215). Based on the evidence outlined above, the variant was classified as uncertain significance.

Blueprint Genetics
Classification: Uncertain significance. Last evaluated: 2023-01-03. Review status: criteria provided, single submitter. Criteria: ACMG Guidelines, 2015. Collection method: clinical testing. Allele origin: germline.

Ambry Genetics
Classification: Uncertain significance for Inborn genetic diseases. Last evaluated: 2022-08-17. Review status: criteria provided, single submitter. Criteria: Ambry Variant Classification Scheme 2023. Collection method: clinical testing. Allele origin: germline.

Eurofins Ntd Llc (ga)
Classification: Uncertain significance. Last evaluated: 2016-11-01. Review status: criteria provided, single submitter. Criteria: EGL Classification Definitions 2015. Collection method: clinical testing. Allele origin: germline. Observed: 1 variant allele, 1 heterozygote.

Center for Pediatric Genomic Medicine, Children's Mercy Hospital and Clinics
Classification: Uncertain significance. Last evaluated: 2015-06-04. Review status: criteria provided, single submitter. Criteria: ACMG Guidelines, 2015. Collection method: clinical testing. Allele origin: germline.
ClinVar note: Converted during submission from Uncertain Significance to Uncertain significance.

Natera, Inc.
Classification: Uncertain significance for Usher syndrome type 1B. Last evaluated: 2020-04-16. Review status: no assertion criteria provided. Collection method: clinical testing. Allele origin: germline. Not counted in ClinVar's aggregate classification.

Literature cited by the submitters: PubMed 34515852 (cited by Women's Health and Genetics/Laboratory Corporation of America, LabCorp).

NM_000260.4(MYO7A):c.4066A>T (p.Ser1356Cys)

Gene: MYO7A (myosin VIIA; plus strand). Cytogenetic location: 11q13.5.
Variant type: single nucleotide variant.
Coding change: c.4066A>T on transcript NM_000260.4 (MANE Select); coding-DNA position 4066, A replaced by T.
Protein change: p.Ser1356Cys; replaces serine 1356 with cysteine.
Molecular consequence: missense variant.
Genome position (GRCh38, 1-based): chr11:77,192,192, A>T. VCF-style: chr11-77192192-A-T. GRCh37 (hg19) VCF-style: chr11-76903237-A-T.
Other names: c.4066A>T, p.Ser1356Cys (NM_001127180.2); c.4033A>T, p.Ser1345Cys (NM_001369365.1); short protein forms S1356C, S1345C.
Identifiers: ClinVar variation 235215 (VCV000235215.21), dbSNP rs201195495, ClinGen allele CA6198306.
Genomic context (GRCh38, chr11:77,192,192, plus strand): 5'-CAGGAGCGCAACGCCCCCTGGAGGCTCTTCTTCCGCAAAGAGGTCTTCACGCCCTGGCAC[A>T]GCCCCTCCGAGGACAACGTGGCCACCAACCTCATCTACCAGCAGGTGGTGCGAGGAGTCA-3'
Protein context (NP_000251.3, residues 1346-1366): FRKEVFTPWH[Ser1356Cys]PSEDNVATNL